The following is an entry in ClinVar:

NM_005876.5(SPEG):c.1355C>A (p.Ala452Asp)

Gene: SPEG (striated muscle enriched protein kinase; plus strand). Cytogenetic location: 2q35.
Variant type: single nucleotide variant.
Coding change: c.1355C>A on transcript NM_005876.5 (MANE Select); coding-DNA position 1355, C replaced by A.
Protein change: p.Ala452Asp; replaces alanine 452 with aspartic acid.
Molecular consequence: missense variant.
Genome position (GRCh38, 1-based): chr2:219,448,513, C>A. VCF-style: chr2-219448513-C-A. GRCh37 (hg19) VCF-style: chr2-220313235-C-A.
Other names: short protein forms A452D.
Identifiers: ClinVar variation 3608244 (VCV003608244.2).

ClinVar aggregate classification (germline): Uncertain significance (1 of 4 stars; one submission).

gnomAD v4.1: 10 of 1,449,622 alleles (0.00069%); highest among the groups gnomAD compares: Admixed American, 0.0081%; no homozygotes.

Submission:

Labcorp Genetics (formerly Invitae), Labcorp
Classification: Uncertain significance. Last evaluated: 2024-12-10. Review status: criteria provided, single submitter. Criteria: Invitae Variant Classification Sherloc (09022015). Collection method: clinical testing. Allele origin: germline.
Comment: This sequence change replaces alanine, which is neutral and non-polar, with aspartic acid, which is acidic and polar, at codon 452 of the SPEG protein (p.Ala452Asp). The frequency data for this variant in the population databases is considered unreliable, as metrics indicate poor data quality at this position in the gnomAD database. This variant has not been reported in the literature in individuals affected with SPEG-related conditions. An algorithm developed to predict the effect of missense changes on protein structure and function (PolyPhen-2) suggests that this variant is likely to be tolerated. In summary, the available evidence is currently insufficient to determine the role of this variant in disease. Therefore, it has been classified as a Variant of Uncertain Significance.